The following is an entry in ClinVar:

NM_001127222.2(CACNA1A):c.467G>T (p.Gly156Val)

Gene: CACNA1A (calcium voltage-gated channel subunit alpha1 A; minus strand). Cytogenetic location: 19p13.13.
Variant type: single nucleotide variant.
Coding change: c.467G>T on transcript NM_001127222.2 (MANE Select); coding-DNA position 467, G replaced by T.
Protein change: p.Gly156Val; replaces glycine 156 with valine.
Molecular consequence: missense variant.
Genome position (GRCh38, 1-based): chr19:13,452,948, C>A on the plus strand (G>T on the coding strand, the complement: CACNA1A is on the minus strand). VCF-style: chr19-13452948-C-A. GRCh37 (hg19) VCF-style: chr19-13563762-C-A.
Other names: c.467G>T, p.Gly156Val (NM_000068.4, NM_001127221.2, NM_001174080.2 and 1 more transcripts); short protein forms G156V.
Identifiers: ClinVar variation 2954544 (VCV002954544.3), dbSNP rs2513503710, ClinGen allele CA404967568.
Genomic context (GRCh38, chr19:13,452,948, plus strand): 5'-ACCACAAAGTCCATGACATTCCAGCCATTCCTCAAGTAGGAGCCTTTGTGGAAGGCAAAC[C>A]CAAGGGCAATGATTTTAATTCCAGCCTCGAAACAAAAAATTCCAATGAAGTATGGTTCTG-3'
Protein context (NP_001120694.1, residues 146-166): FEAGIKIIAL[Gly156Val]FAFHKGSYLR

ClinVar aggregate classification (germline): Pathogenic (1 of 4 stars; one submission).

Conditions:
Episodic ataxia type 2 (EA2). Also called: CEREBELLAR ATAXIA, PAROXYSMAL, ACETAZOLAMIDE-RESPONSIVE; CEREBELLOPATHY, HEREDITARY PAROXYSMAL; EPISODIC ATAXIA, NYSTAGMUS-ASSOCIATED; ACETAZOLAMIDE-RESPONSIVE HEREDITARY PAROXYSMAL CEREBELLAR ATAXIA; ATAXIA, EPISODIC, WITH NYSTAGMUS; ATAXIA, FAMILIAL PAROXYSMAL. Identifiers: Orphanet 97, MedGen C1720416, MONDO:0007163, OMIM 108500.
Developmental and epileptic encephalopathy, 42 (DEE42A). Also called: Epileptic encephalopathy, early infantile, 42; DEVELOPMENTAL AND EPILEPTIC ENCEPHALOPATHY 42A; EPILEPTIC ENCEPHALOPATHY, EARLY INFANTILE, 42A. Identifiers: MedGen C4310716, MONDO:0014917, OMIM 617106.

Submission:

Labcorp Genetics (formerly Invitae), Labcorp
Classification: Pathogenic for Developmental and epileptic encephalopathy, 42; Episodic ataxia type 2. Last evaluated: 2024-02-17. Review status: criteria provided, single submitter. Criteria: Invitae Variant Classification Sherloc (09022015). Collection method: clinical testing. Allele origin: germline.
Comment: This sequence change replaces glycine, which is neutral and non-polar, with valine, which is neutral and non-polar, at codon 156 of the CACNA1A protein (p.Gly156Val). This variant is not present in population databases (gnomAD no frequency). This missense change has been observed in individual(s) with clinical features of episodic ataxia (Invitae). In at least one individual the variant was observed to be de novo. Advanced modeling of protein sequence and biophysical properties (such as structural, functional, and spatial information, amino acid conservation, physicochemical variation, residue mobility, and thermodynamic stability) performed at Invitae indicates that this missense variant is expected to disrupt CACNA1A protein function with a positive predictive value of 95%. For these reasons, this variant has been classified as Pathogenic.